The following is an entry in ClinVar:

NM_006979.3(SLC39A7):c.947G>T (p.Arg316Leu)

Gene: SLC39A7 (solute carrier family 39 member 7; plus strand). Cytogenetic location: 6p21.32.
Variant type: single nucleotide variant.
Coding change: c.947G>T on transcript NM_006979.3 (MANE Select); coding-DNA position 947, G replaced by T.
Protein change: p.Arg316Leu; replaces arginine 316 with leucine.
Molecular consequence: missense variant.
Genome position (GRCh38, 1-based): chr6:33,202,916, G>T. VCF-style: chr6-33202916-G-T. GRCh37 (hg19) VCF-style: chr6-33170693-G-T.
Other names: c.947G>T, p.Arg316Leu (NM_001077516.2); c.572G>T, p.Arg191Leu (NM_001288777.2); short protein forms R191L, R316L.
Identifiers: ClinVar variation 1393198 (VCV001393198.8), dbSNP rs377606297, ClinGen allele CA3752403.

ClinVar aggregate classification (germline): Uncertain significance (1 of 4 stars; one submission).

Submission:

Labcorp Genetics (formerly Invitae), Labcorp
Classification: Uncertain significance. Last evaluated: 2022-02-05. Review status: criteria provided, single submitter. Criteria: Invitae Variant Classification Sherloc (09022015). Collection method: clinical testing. Allele origin: germline.
Comment: In summary, the available evidence is currently insufficient to determine the role of this variant in disease. Therefore, it has been classified as a Variant of Uncertain Significance. Algorithms developed to predict the effect of missense changes on protein structure and function (SIFT, PolyPhen-2, Align-GVGD) all suggest that this variant is likely to be tolerated. This variant has not been reported in the literature in individuals affected with SLC39A7-related conditions. This variant is present in population databases (rs377606297, gnomAD 0.0009%). This sequence change replaces arginine, which is basic and polar, with leucine, which is neutral and non-polar, at codon 316 of the SLC39A7 protein (p.Arg316Leu).